The following is an entry in ClinVar:

ClinVar aggregate classification (germline): Benign (1 of 4 stars; one submission).

Allele frequency attached by ClinVar (database versions not stated): 1000 Genomes Project 30x 0.10821; 1000 Genomes Project 0.10863; TOPMed 0.12605.

Submission:

Unidad de Genómica Garrahan, Hospital de Pediatría Garrahan
Classification: Benign. Last evaluated: 2024-01-24. Review status: criteria provided, single submitter. Criteria: ACMG Guidelines, 2015. Collection method: clinical testing. Allele origin: germline. Affected: no. Observed: 19 variant alleles.
Comment: This variant is classified as Benign based on local population frequency. This variant was detected in 22% of patients studied by a panel of primary immunodeficiencies. Number of patients: 19. Only high quality variants are reported.

NM_001318777.2(TIRAP):c.-92-11A>G

Gene: TIRAP (TIR domain containing adaptor protein; plus strand). Cytogenetic location: 11q24.2.
Variant type: single nucleotide variant.
Coding change: c.-92-11A>G on transcript NM_001318777.2 (MANE Select); 11 bases into the intron before 92 bases upstream of the start codon, A replaced by G.
Molecular consequence: intron variant.
Genome position (GRCh38, 1-based): chr11:126,290,792, A>G. VCF-style: chr11-126290792-A-G. GRCh37 (hg19) VCF-style: chr11-126160687-A-G.
Other names: c.-92-11A>G (NM_001039661.2, NM_148910.3, NM_001318776.2).
Identifiers: ClinVar variation 2688499 (VCV002688499.2), dbSNP rs1893352, ClinGen allele CA15676188.